The following is an entry in ClinVar:

ClinVar aggregate classification (germline): Likely benign. Review status: criteria provided, multiple submitters, no conflicts (2 of 4 stars). 3 submissions from 3 submitters: Likely benign (3). Last evaluated 2026-01-20.

Conditions:
WIPF1-related disorder. Also called: WIPF1-related condition.
Wiskott-Aldrich syndrome 2 (WAS2). Also called: WIPF1 DEFICIENCY. Identifiers: Orphanet 906, MedGen C3281001, MONDO:0013779, OMIM 614493.

Allele frequency attached by ClinVar (database versions not stated): gnomAD exomes below 0.00001; ExAC 0.00001; gnomAD 0.00001.
gnomAD v4.1: 3 of 1,611,062 alleles (0.00019%); highest among the groups gnomAD compares: Middle Eastern, 0.017%; no homozygotes.

Submissions (3):

PreventionGenetics, part of Exact Sciences
Classification: Likely benign for WIPF1-related condition. Last evaluated: 2026-01-20. Review status: criteria provided, single submitter. Criteria: ACMG Guidelines, 2015. Collection method: clinical testing. Allele origin: germline.
Comment: This variant is classified as likely benign based on ACMG/AMP sequence variant interpretation guidelines (Richards et al. 2015 PMID: 25741868, with internal and published modifications).

Labcorp Genetics (formerly Invitae), Labcorp
Classification: Likely benign for Wiskott-Aldrich syndrome 2. Last evaluated: 2025-12-01. Review status: criteria provided, single submitter. Criteria: Invitae Variant Classification Sherloc (09022015). Collection method: clinical testing. Allele origin: germline.

Blueprint Genetics
Classification: Likely benign. Last evaluated: 2024-05-07. Review status: criteria provided, single submitter. Criteria: ACMG Guidelines, 2015. Collection method: clinical testing. Allele origin: germline.

NM_001375834.1(WIPF1):c.912A>G (p.Ser304=)

Gene: WIPF1 (WAS/WASL interacting protein family member 1; minus strand). Cytogenetic location: 2q31.1.
Variant type: single nucleotide variant.
Coding change: c.912A>G on transcript NM_001375834.1 (MANE Select); coding-DNA position 912, A replaced by G.
Protein change: p.Ser304=; no amino-acid change (serine 304 retained).
Molecular consequence: synonymous variant.
Genome position (GRCh38, 1-based): chr2:174,571,893, T>C on the plus strand (A>G on the coding strand, the complement: WIPF1 is on the minus strand). VCF-style: chr2-174571893-T-C. GRCh37 (hg19) VCF-style: chr2-175436621-T-C.
Other names: c.912A>G, p.Ser304= (NM_001077269.1, NM_001375832.1, NM_001375833.1 and 5 more transcripts); c.534A>G, p.Ser178= (NM_001375839.1).
Identifiers: ClinVar variation 1424644 (VCV001424644.10), dbSNP rs747496276, ClinGen allele CA1974031.